The following is an entry in ClinVar:

NM_173503.4(EFCAB3):c.295C>T (p.Arg99Ter)

Gene: EFCAB3 (EF-hand calcium binding domain 3; plus strand). Cytogenetic location: 17q23.2.
Variant type: single nucleotide variant.
Coding change: c.295C>T on transcript NM_173503.4 (MANE Select); coding-DNA position 295, C replaced by T.
Protein change: p.Arg99Ter; replaces arginine 99 with a stop codon.
Molecular consequence: nonsense.
Genome position (GRCh38, 1-based): chr17:62,391,965, C>T. VCF-style: chr17-62391965-C-T. GRCh37 (hg19) VCF-style: chr17-60469326-C-T.
Other names: c.451C>T, p.Arg151Ter (NM_001144933.2); short protein forms R99*, R151*.
Identifiers: ClinVar variation 787599 (VCV000787599.29), dbSNP rs61751980, ClinGen allele CA8693905.

ClinVar aggregate classification (germline): Benign/Likely benign. Review status: criteria provided, multiple submitters, no conflicts (2 of 4 stars). 3 submissions from 3 submitters: Benign (2); Likely benign (1). Last evaluated 2023-03-01.

Allele frequency attached by ClinVar (database versions not stated): 1000 Genomes Project 30x 0.00312; 1000 Genomes Project 0.00379; ESP Exome Variant Server 0.00384; TOPMed 0.00389; gnomAD 0.00673 and 0.00690; ExAC 0.00691; gnomAD exomes 0.00774.
gnomAD v4.1: 11,709 of 1,592,754 alleles (0.74%); highest among the groups gnomAD compares: Non-Finnish European, 0.71%; 91 homozygotes.

Submissions (3):

CeGaT Center for Human Genetics Tuebingen
Classification: Likely benign. Last evaluated: 2023-03-01. Review status: criteria provided, single submitter. Criteria: CeGaT Center For Human Genetics Tuebingen Variant Classification Criteria Version 2. Collection method: clinical testing. Allele origin: germline. Affected: yes. Observed: 1 variant allele.
Comment: EFCAB3: BS2

Labcorp Genetics (formerly Invitae), Labcorp
Classification: Benign. Last evaluated: 2019-12-31. Review status: criteria provided, single submitter. Criteria: Invitae Variant Classification Sherloc (09022015). Collection method: clinical testing. Allele origin: germline.

Breakthrough Genomics
Classification: Benign. Review status: criteria provided, single submitter. Criteria: ACMG Guidelines, 2015. Collection method: not provided. Allele origin: germline. Inheritance: Unknown mechanism. Affected: yes.